The following is an entry in ClinVar:

NM_001231.5(CASQ1):c.46C>T (p.Arg16Trp)

Gene: CASQ1 (calsequestrin 1; plus strand). Cytogenetic location: 1q23.2.
Variant type: single nucleotide variant.
Coding change: c.46C>T on transcript NM_001231.5 (MANE Select); coding-DNA position 46, C replaced by T.
Protein change: p.Arg16Trp; replaces arginine 16 with tryptophan.
Molecular consequence: missense variant.
Genome position (GRCh38, 1-based): chr1:160,190,797, C>T. VCF-style: chr1-160190797-C-T. GRCh37 (hg19) VCF-style: chr1-160160587-C-T.
Other names: c.46C>T (NM_001231.4); short protein forms R16W.
Identifiers: ClinVar variation 1512470 (VCV001512470.8), dbSNP rs371555372, ClinGen allele CA1196060.

ClinVar aggregate classification (germline): Uncertain significance. Review status: criteria provided, multiple submitters, no conflicts (2 of 4 stars). 2 submissions from 2 submitters: Uncertain significance (2). Last evaluated 2024-09-24.

Conditions:
Inborn genetic diseases. Identifiers: MedGen C0950123, MeSH D030342.

Allele frequency attached by ClinVar (database versions not stated): gnomAD exomes 0.00003 and 0.00004; ExAC 0.00004; ESP Exome Variant Server 0.00008; TOPMed 0.00008; gnomAD 0.00009.
gnomAD v4.1: 55 of 1,613,992 alleles (0.0034%); highest among the groups gnomAD compares: Admixed American, 0.022%; no homozygotes.

Submissions (2):

Ambry Genetics
Classification: Uncertain significance for Inborn genetic diseases. Last evaluated: 2024-09-24. Review status: criteria provided, single submitter. Criteria: Ambry Variant Classification Scheme 2023. Collection method: clinical testing. Allele origin: germline.

Labcorp Genetics (formerly Invitae), Labcorp
Classification: Uncertain significance. Last evaluated: 2024-04-25. Review status: criteria provided, single submitter. Criteria: Invitae Variant Classification Sherloc (09022015). Collection method: clinical testing. Allele origin: germline.
Comment: This sequence change replaces arginine, which is basic and polar, with tryptophan, which is neutral and slightly polar, at codon 16 of the CASQ1 protein (p.Arg16Trp). This variant is present in population databases (rs371555372, gnomAD 0.02%). This variant has not been reported in the literature in individuals affected with CASQ1-related conditions. ClinVar contains an entry for this variant (Variation ID: 1512470). Algorithms developed to predict the effect of missense changes on protein structure and function output the following: SIFT: "Not Available"; PolyPhen-2: "Benign"; Align-GVGD: "Not Available". The tryptophan amino acid residue is found in multiple mammalian species, which suggests that this missense change does not adversely affect protein function. In summary, the available evidence is currently insufficient to determine the role of this variant in disease. Therefore, it has been classified as a Variant of Uncertain Significance.